The following is an entry in ClinVar:

ClinVar aggregate classification (germline): Likely benign. Review status: criteria provided, single submitter (1 of 4 stars). 2 submissions from 2 submitters: Likely benign (1). 1 of the submissions does not count toward it. Last evaluated 2025-05-18.

Conditions:
Familial sleep-related hypermotor epilepsy. Also called: Autosomal Dominant Sleep-Related Hypermotor (Hyperkinetic) Epilepsy. Identifiers: Orphanet 98784, MedGen C3696898, MONDO:0000030.
CHRNA2-related disorder. Also called: CHRNA2-related condition.

Allele frequency attached by ClinVar (database versions not stated): gnomAD 0.00007; TOPMed 0.00007; ESP Exome Variant Server 0.00008; gnomAD exomes 0.00001; ExAC 0.00002.

Submissions (2):

Labcorp Genetics (formerly Invitae), Labcorp
Classification: Likely benign. Last evaluated: 2025-05-18. Review status: criteria provided, single submitter. Criteria: Invitae Variant Classification Sherloc (09022015). Collection method: clinical testing. Allele origin: germline.

PreventionGenetics, part of Exact Sciences
Classification: Likely benign for CHRNA2-related condition. Last evaluated: 2019-06-18. Review status: no assertion criteria provided. Collection method: clinical testing. Allele origin: germline. Not counted in ClinVar's aggregate classification.
Comment: This variant is classified as likely benign based on ACMG/AMP sequence variant interpretation guidelines (Richards et al. 2015 PMID: 25741868, with internal and published modifications).

NM_000742.4(CHRNA2):c.759C>T (p.Pro253=)

Gene: CHRNA2 (cholinergic receptor nicotinic alpha 2 subunit; minus strand). Cytogenetic location: 8p21.2.
Variant type: single nucleotide variant.
Coding change: c.759C>T on transcript NM_000742.4 (MANE Select); coding-DNA position 759, C replaced by T.
Protein change: p.Pro253=; no amino-acid change (proline 253 retained).
Molecular consequence: synonymous variant.
Genome position (GRCh38, 1-based): chr8:27,463,684, G>A on the plus strand (C>T on the coding strand, the complement: CHRNA2 is on the minus strand). VCF-style: chr8-27463684-G-A. GRCh37 (hg19) VCF-style: chr8-27321201-G-A.
Other names: c.714C>T, p.Pro238= (NM_001282455.2); c.282C>T, p.Pro94= (NM_001347705.2, NM_001347706.2); c.165C>T, p.Pro55= (NM_001347707.2, NM_001347708.2).
Identifiers: ClinVar variation 774104 (VCV000774104.11), dbSNP rs144913811, ClinGen allele CA4689601.